The following is an entry in ClinVar:

NM_174934.4(SCN4B):c.451G>A (p.Val151Ile)

Genes: SCN4B (sodium voltage-gated channel beta subunit 4; minus strand), LOC126861356 (BRD4-independent group 4 enhancer GRCh37_chr11:118014519-118015718; plus strand). Cytogenetic location: 11q23.3.
Variant type: single nucleotide variant.
Coding change: c.451G>A on transcript NM_174934.4 (MANE Select); coding-DNA position 451, G replaced by A.
Protein change: p.Val151Ile; replaces valine 151 with isoleucine.
Molecular consequence: missense variant. On other transcripts: intron variant (1).
Genome position (GRCh38, 1-based): chr11:118,143,845, C>T on the plus strand (G>A on the coding strand, the complement: SCN4B is on the minus strand). VCF-style: chr11-118143845-C-T. GRCh37 (hg19) VCF-style: chr11-118014560-C-T.
Other names: c.121G>A, p.Val41Ile (NM_001142349.2); c.62-2509G>A (NM_001142348.2); short protein forms V151I, V41I.
Identifiers: ClinVar variation 1741199 (VCV001741199.2), dbSNP rs2497563679, ClinGen allele CA382777836.

ClinVar aggregate classification (germline): Uncertain significance (1 of 4 stars; one submission).

Conditions:
Cardiovascular phenotype. Identifiers: MedGen CN230736.

Submission:

Ambry Genetics
Classification: Uncertain significance for Cardiovascular phenotype. Last evaluated: 2022-09-13. Review status: criteria provided, single submitter. Criteria: Ambry Variant Classification Scheme 2023. Collection method: clinical testing. Allele origin: germline.
Comment: The p.V151I variant (also known as c.451G>A), located in coding exon 3 of the SCN4B gene, results from a G to A substitution at nucleotide position 451. The valine at codon 151 is replaced by isoleucine, an amino acid with highly similar properties. This amino acid position is conserved. In addition, the in silico prediction for this alteration is inconclusive. Since supporting evidence is limited at this time, the clinical significance of this alteration remains unclear.